The following is an entry in ClinVar:

NM_002788.4(PSMA3):c.405-6A>G

Gene: PSMA3 (proteasome 20S subunit alpha 3; plus strand). Cytogenetic location: 14q23.1.
Variant type: single nucleotide variant.
Coding change: c.405-6A>G on transcript NM_002788.4 (MANE Select); 6 bases into the intron before coding-DNA position 405, A replaced by G.
Molecular consequence: intron variant.
Genome position (GRCh38, 1-based): chr14:58,260,942, A>G. VCF-style: chr14-58260942-A-G. GRCh37 (hg19) VCF-style: chr14-58727660-A-G.
Other names: c.405-27A>G (NM_152132.3).
Identifiers: ClinVar variation 2113823 (VCV002113823.4), dbSNP rs2502955214, ClinGen allele CA2580088259.

ClinVar aggregate classification (germline): Uncertain significance (1 of 4 stars; one submission).

Submission:

Labcorp Genetics (formerly Invitae), Labcorp
Classification: Uncertain significance. Last evaluated: 2022-03-19. Review status: criteria provided, single submitter. Criteria: Invitae Variant Classification Sherloc (09022015). Collection method: clinical testing. Allele origin: germline.
Comment: This variant has not been reported in the literature in individuals affected with PSMA3-related conditions. This sequence change falls in intron 5 of the PSMA3 gene. It does not directly change the encoded amino acid sequence of the PSMA3 protein. This variant is not present in population databases (gnomAD no frequency). Algorithms developed to predict the effect of sequence changes on RNA splicing suggest that this variant may disrupt the consensus splice site. In summary, the available evidence is currently insufficient to determine the role of this variant in disease. Therefore, it has been classified as a Variant of Uncertain Significance.